The following is an entry in ClinVar:

ClinVar aggregate classification (germline): Uncertain significance (1 of 4 stars; one submission).

Conditions:
Familial acute necrotizing encephalopathy (IIAE3). Also called: ENCEPHALOPATHY, ACUTE, INFECTION-INDUCED, SUSCEPTIBILITY TO, 3; Susceptibility to Acute Necrotizing Encephalopathy 1. Identifiers: Orphanet 88619, MedGen C2675556, MONDO:0011953, OMIM 608033.

Submission:

Labcorp Genetics (formerly Invitae), Labcorp
Classification: Uncertain significance for Familial acute necrotizing encephalopathy. Last evaluated: 2021-02-09. Review status: criteria provided, single submitter. Criteria: Invitae Variant Classification Sherloc (09022015). Collection method: clinical testing. Allele origin: germline.
Comment: In summary, the available evidence is currently insufficient to determine the role of this variant in disease. Therefore, it has been classified as a Variant of Uncertain Significance. Algorithms developed to predict the effect of missense changes on protein structure and function are either unavailable or do not agree on the potential impact of this missense change (SIFT: "Deleterious"; PolyPhen-2: "Benign"; Align-GVGD: "Class C65"). This variant has not been reported in the literature in individuals with RANBP2-related conditions. This variant is not present in population databases (ExAC no frequency). This sequence change replaces proline with serine at codon 476 of the RANBP2 protein (p.Pro476Ser). The proline residue is highly conserved and there is a moderate physicochemical difference between proline and serine.

NM_006267.5(RANBP2):c.1426C>T (p.Pro476Ser)

Gene: RANBP2 (RAN binding protein 2; plus strand). Cytogenetic location: 2q13.
Variant type: single nucleotide variant.
Coding change: c.1426C>T on transcript NM_006267.5 (MANE Select); coding-DNA position 1426, C replaced by T.
Protein change: p.Pro476Ser; replaces proline 476 with serine.
Molecular consequence: missense variant.
Genome position (GRCh38, 1-based): chr2:108,751,416, C>T. VCF-style: chr2-108751416-C-T. GRCh37 (hg19) VCF-style: chr2-109367872-C-T.
Other names: short protein forms P476S.
Identifiers: ClinVar variation 1061521 (VCV001061521.5), dbSNP rs2149220937, ClinGen allele CA348049040.